The following is an entry in ClinVar:

NM_005475.3(SH2B3):c.1004C>T (p.Thr335Ile)

Gene: SH2B3 (SH2B adaptor protein 3; plus strand). Cytogenetic location: 12q24.12.
Variant type: single nucleotide variant.
Coding change: c.1004C>T on transcript NM_005475.3 (MANE Select); coding-DNA position 1004, C replaced by T.
Protein change: p.Thr335Ile; replaces threonine 335 with isoleucine.
Molecular consequence: missense variant.
Genome position (GRCh38, 1-based): chr12:111,447,202, C>T. VCF-style: chr12-111447202-C-T. GRCh37 (hg19) VCF-style: chr12-111885006-C-T.
Other names: c.398C>T, p.Thr133Ile (NM_001291424.1); short protein forms T133I, T335I.
Identifiers: ClinVar variation 3795148 (VCV003795148.1).

ClinVar aggregate classification (germline): Uncertain significance (1 of 4 stars; one submission).

Conditions:
Inborn genetic diseases. Identifiers: MedGen C0950123, MeSH D030342.

Submission:

Ambry Genetics
Classification: Uncertain significance for Inborn genetic diseases. Last evaluated: 2025-01-30. Review status: criteria provided, single submitter. Criteria: Ambry Variant Classification Scheme 2023. Collection method: clinical testing. Allele origin: germline.
Comment: The p.T335I variant (also known as c.1004C>T), located in coding exon 4 of the SH2B3 gene, results from a C to T substitution at nucleotide position 1004. The threonine at codon 335 is replaced by isoleucine, an amino acid with similar properties. This amino acid position is conserved. In addition, this alteration is predicted to be tolerated by in silico analysis. Based on the available evidence, the clinical significance of this variant remains unclear.